The following is an entry in ClinVar:

NM_005518.4(HMGCS2):c.1090T>A (p.Phe364Ile)

Gene: HMGCS2 (3-hydroxy-3-methylglutaryl-CoA synthase 2; minus strand). Cytogenetic location: 1p12.
Variant type: single nucleotide variant.
Coding change: c.1090T>A on transcript NM_005518.4 (MANE Select); coding-DNA position 1090, T replaced by A.
Protein change: p.Phe364Ile; replaces phenylalanine 364 with isoleucine.
Molecular consequence: missense variant.
Genome position (GRCh38, 1-based): chr1:119,755,524, A>T on the plus strand (T>A on the coding strand, the complement: HMGCS2 is on the minus strand). VCF-style: chr1-119755524-A-T. GRCh37 (hg19) VCF-style: chr1-120298147-A-T.
Other names: c.964T>A, p.Phe322Ile (NM_001166107.1); short protein forms F322I, F364I.
Identifiers: ClinVar variation 859739 (VCV000859739.11), dbSNP rs1652807016, ClinGen allele CA341859084.

ClinVar aggregate classification (germline): Pathogenic/Likely pathogenic. Review status: criteria provided, multiple submitters, no conflicts (2 of 4 stars). 2 submissions from 2 submitters: Pathogenic (1); Likely pathogenic (1). Last evaluated 2025-07-18.

Conditions:
3-hydroxy-3-methylglutaryl-CoA synthase deficiency (HMGCS2D). Also called: HMGCS2 DEFICIENCY; MITOCHONDRIAL HMG-CoA SYNTHASE DEFICIENCY; HMG-CoA synthase-2 deficiency. Identifiers: Orphanet 35701, MedGen C2751532, MONDO:0011614, OMIM 605911.

gnomAD v4.1: 3 of 1,614,086 alleles (0.00019%); highest among the groups gnomAD compares: East Asian, 0.0067%; no homozygotes.

Submissions (2):

Women's Health and Genetics/Laboratory Corporation of America, LabCorp
Classification: Likely pathogenic for 3-hydroxy-3-methylglutaryl-CoA synthase deficiency. Last evaluated: 2025-07-18. Review status: criteria provided, single submitter. Criteria: LabCorp Variant Classification Summary - May 2015. Collection method: clinical testing. Allele origin: germline.
Comment: Variant summary: HMGCS2 c.1090T>A (p.Phe364Ile) results in a non-conservative amino acid change in the encoded protein sequence. Algorithms developed to predict the effect of missense changes on protein structure and function all suggest that this variant is likely to be disruptive. The variant was absent in 251484 control chromosomes. c.1090T>A has been observed in the compound heterozygous and homozygous states in multiple individual(s) affected with 3-hydroxy-3-methylglutaryl-CoA synthase deficiency (example, Labcorp Genetics (formerly Invitae)). These data indicate that the variant is likely to be associated with disease. To our knowledge, no experimental evidence demonstrating an impact on protein function has been reported. The following publication has been ascertained in the context of this evaluation (PMID: 34233069). ClinVar contains an entry for this variant (Variation ID: 859739). Based on the evidence outlined above, the variant was classified as likely pathogenic.

Labcorp Genetics (formerly Invitae), Labcorp
Classification: Pathogenic for 3-hydroxy-3-methylglutaryl-CoA synthase deficiency. Last evaluated: 2022-09-19. Review status: criteria provided, single submitter. Criteria: Invitae Variant Classification Sherloc (09022015). Collection method: clinical testing. Allele origin: germline.
Comment: For these reasons, this variant has been classified as Pathogenic. Advanced modeling of protein sequence and biophysical properties (such as structural, functional, and spatial information, amino acid conservation, physicochemical variation, residue mobility, and thermodynamic stability) performed at Invitae indicates that this missense variant is not expected to disrupt HMGCS2 protein function. ClinVar contains an entry for this variant (Variation ID: 859739). This missense change has been observed in individual(s) with clinical features of HMG-CoA synthase deficiency (Invitae). In at least one individual the data is consistent with being in trans (on the opposite chromosome) from a pathogenic variant. This variant is not present in population databases (gnomAD no frequency). This sequence change replaces phenylalanine, which is neutral and non-polar, with isoleucine, which is neutral and non-polar, at codon 364 of the HMGCS2 protein (p.Phe364Ile).

Literature cited by the submitters: PubMed 34233069 (cited by Women's Health and Genetics/Laboratory Corporation of America, LabCorp).